The following is an entry in ClinVar:

NM_012330.4(KAT6B):c.5837G>A (p.Arg1946His)

Gene: KAT6B (lysine acetyltransferase 6B; plus strand). Cytogenetic location: 10q22.2.
Variant type: single nucleotide variant.
Coding change: c.5837G>A on transcript NM_012330.4 (MANE Select); coding-DNA position 5837, G replaced by A.
Protein change: p.Arg1946His; replaces arginine 1946 with histidine.
Molecular consequence: missense variant.
Genome position (GRCh38, 1-based): chr10:75,030,661, G>A. VCF-style: chr10-75030661-G-A. GRCh37 (hg19) VCF-style: chr10-76790419-G-A.
Other names: c.4772G>A, p.Arg1591His (NM_001370143.1, NM_001370144.1); c.4961G>A, p.Arg1654His (NM_001370139.1, NM_001370140.1, NM_001370141.1 and 2 more transcripts); c.5288G>A, p.Arg1763His (NM_001256468.2, NM_001370138.1); c.4799G>A, p.Arg1600His (NM_001370132.1); c.4148G>A, p.Arg1383His (NM_001370133.1); c.3752G>A, p.Arg1251His (NM_001370134.1); c.3494G>A, p.Arg1165His (NM_001370135.1); c.5837G>A, p.Arg1946His (NM_001370136.1, NM_001370137.1); short protein forms R1165H, R1946H, R1600H, R1251H, R1383H, R1591H, R1654H, R1763H.
Identifiers: ClinVar variation 3715112 (VCV003715112.2).

ClinVar aggregate classification (germline): Uncertain significance (1 of 4 stars; one submission).

Conditions:
Genitopatellar syndrome (GTPTS). Also called: ABSENT PATELLAE, SCROTAL HYPOPLASIA, RENAL ANOMALIES, FACIAL DYSMORPHISM, AND MENTAL RETARDATION; Genitopatellar syndrome (GPS). Identifiers: Orphanet 85201, MedGen C1853566, MONDO:0011640, OMIM 606170.

gnomAD v4.1: 58 of 1,614,056 alleles (0.0036%); highest among the groups gnomAD compares: East Asian, 0.0089%; no homozygotes.

Submission:

Labcorp Genetics (formerly Invitae), Labcorp
Classification: Uncertain significance for Genitopatellar syndrome. Last evaluated: 2024-04-17. Review status: criteria provided, single submitter. Criteria: Invitae Variant Classification Sherloc (09022015). Collection method: clinical testing. Allele origin: germline.
Comment: This sequence change replaces arginine, which is basic and polar, with histidine, which is basic and polar, at codon 1946 of the KAT6B protein (p.Arg1946His). This variant is present in population databases (rs769743443, gnomAD 0.004%). This missense change has been observed in individual(s) with clinical features of KAT6B-related condition (PMID: 33004838). An algorithm developed to predict the effect of missense changes on protein structure and function (PolyPhen-2) suggests that this variant is likely to be disruptive. In summary, the available evidence is currently insufficient to determine the role of this variant in disease. Therefore, it has been classified as a Variant of Uncertain Significance.

Literature cited by the submitters: PubMed 33004838.